The following is an entry in ClinVar:

ClinVar aggregate classification (germline): Uncertain significance. Review status: criteria provided, multiple submitters, no conflicts (2 of 4 stars). 2 submissions from 2 submitters: Uncertain significance (2). Last evaluated 2024-10-06.

Conditions:
Inborn genetic diseases. Identifiers: MedGen C0950123, MeSH D030342.

Submissions (2):

Ambry Genetics
Classification: Uncertain significance for Inborn genetic diseases. Last evaluated: 2024-10-06. Review status: criteria provided, single submitter. Criteria: Ambry Variant Classification Scheme 2023. Collection method: clinical testing. Allele origin: germline.

Labcorp Genetics (formerly Invitae), Labcorp
Classification: Uncertain significance. Last evaluated: 2024-02-11. Review status: criteria provided, single submitter. Criteria: Invitae Variant Classification Sherloc (09022015). Collection method: clinical testing. Allele origin: germline.
Comment: This sequence change replaces glutamic acid, which is acidic and polar, with lysine, which is basic and polar, at codon 262 of the BMP1 protein (p.Glu262Lys). This variant is not present in population databases (gnomAD no frequency). This variant has not been reported in the literature in individuals affected with BMP1-related conditions. Advanced modeling of protein sequence and biophysical properties (such as structural, functional, and spatial information, amino acid conservation, physicochemical variation, residue mobility, and thermodynamic stability) performed at Invitae indicates that this missense variant is expected to disrupt BMP1 protein function with a positive predictive value of 80%. In summary, the available evidence is currently insufficient to determine the role of this variant in disease. Therefore, it has been classified as a Variant of Uncertain Significance.

NM_006129.5(BMP1):c.784G>A (p.Glu262Lys)

Gene: BMP1 (bone morphogenetic protein 1; plus strand). Cytogenetic location: 8p21.3.
Variant type: single nucleotide variant.
Coding change: c.784G>A on transcript NM_006129.5 (MANE Select); coding-DNA position 784, G replaced by A.
Protein change: p.Glu262Lys; replaces glutamic acid 262 with lysine.
Molecular consequence: missense variant. On other transcripts: non-coding transcript variant (2).
Genome position (GRCh38, 1-based): chr8:22,177,905, G>A. VCF-style: chr8-22177905-G-A. GRCh37 (hg19) VCF-style: chr8-22035418-G-A.
Other names: c.784G>A, p.Glu262Lys (NM_001199.4); short protein forms E262K.
Identifiers: ClinVar variation 3481113 (VCV003481113.3).
Genomic context (GRCh38, chr8:22,177,905, plus strand): 5'-TTGGCAGGGCAGGAGTATAACTTCCTGAAGATGGAGCCTCAGGAGGTGGAGTCCCTGGGG[G>A]AGACCTATGACTTCGACAGCATCATGCATTACGCTCGGAACACATTCTCCAGGTGGGAGA-3'
Protein context (NP_006120.1, residues 252-272): MEPQEVESLG[Glu262Lys]TYDFDSIMHY